The following is an entry in ClinVar:

NM_000092.5(COL4A4):c.2726G>A (p.Gly909Glu)

Gene: COL4A4 (collagen type IV alpha 4 chain; minus strand). Cytogenetic location: 2q36.3.
Variant type: single nucleotide variant.
Coding change: c.2726G>A on transcript NM_000092.5 (MANE Select); coding-DNA position 2726, G replaced by A.
Protein change: p.Gly909Glu; replaces glycine 909 with glutamic acid.
Molecular consequence: missense variant.
Genome position (GRCh38, 1-based): chr2:227,054,728, C>T on the plus strand (G>A on the coding strand, the complement: COL4A4 is on the minus strand). VCF-style: chr2-227054728-C-T. GRCh37 (hg19) VCF-style: chr2-227919444-C-T.
Other names: short protein forms G909E.
Identifiers: ClinVar variation 1077020 (VCV001077020.2), dbSNP rs2150221180, ClinGen allele CA350840386.
Genomic context (GRCh38, chr2:227,054,728, plus strand): 5'-GGACATCCCTCTGCACCAGGCTTTCCTCTTTCTCCGGGAAAACCTGGGAAACCAGGCAGC[C>T]CCCGGGGTCCTGGTGAAATGAGAGCATAAAGTTTTAGGAAAATATTTTATTTGTTATTTA-3'
Protein context (NP_000083.3, residues 899-919): PGPPGPKGPR[Gly909Glu]LPGFPGFPGE

ClinVar aggregate classification (germline): Likely pathogenic. Review status: criteria provided, multiple submitters, no conflicts (2 of 4 stars). 2 submissions from 2 submitters: Likely pathogenic (2). Last evaluated 2026-01-26.

Conditions:
Autosomal recessive Alport syndrome (ATS2). Also called: COL4A3-Related Nephropathy; Alport syndrome type 2; COL4A4 Alport Syndrome and Thin Basement Membrane Nephropathy; ALPORT SYNDROME 2, AUTOSOMAL RECESSIVE. Identifiers: Orphanet 63, Orphanet 88919, MedGen C4746745, MONDO:0008762, OMIM 203780.

Submissions (2):

Medical and Scientific Branch, Hong Kong Genome Institute
Classification: Likely pathogenic for Autosomal recessive Alport syndrome. Last evaluated: 2026-01-26. Review status: criteria provided, single submitter. Criteria: ACMG Guidelines, 2015. Collection method: clinical testing. Allele origin: paternal. Affected: yes.

Precision Medicine Center, Zhengzhou University
Classification: Likely pathogenic for Autosomal recessive Alport syndrome. Review status: criteria provided, single submitter. Criteria: ACMG Guidelines, 2015. Collection method: research. Allele origin: germline. Affected: yes.
Comment: PM1:Located in a mutational hot spot PM2:not found in gnomAD PP2:Missense variant in a gene that has a low rate of benign missense variation and in which missense variants are a common mechanism of disease PP3:Multiple lines of computational evidence support a deleterious effect on the gene or gene product